The following is an entry in ClinVar:

NM_001267550.2(TTN):c.86844dup (p.Leu28949fs)

Genes: TTN-AS1 (TTN antisense RNA 1; plus strand), TTN (titin; minus strand). Cytogenetic location: 2q31.2.
Variant type: Duplication.
Coding change: c.86844dup on transcript NM_001267550.2 (MANE Select); coding-DNA position 86844, one base duplicated (A; older notation c.86844dupA).
Protein change: p.Leu28949fs; shifts the reading frame from leucine 28949.
Molecular consequence: frameshift variant.
Genome position (GRCh38, 1-based): chr2:178,558,615, T duplicated on the plus strand (A on the coding strand, the reverse complement: TTN is on the minus strand); the first of 5 consecutive T bases (chr2:178,558,615-178,558,619); duplicating any one gives the same sequence. VCF-style (leftmost placement, unchanged base first): chr2-178558614-G-GT. GRCh37 (hg19) VCF-style: chr2-179423341-G-GT.
Other names: c.81921dup, p.Leu27308fs (NM_001256850.1); c.59649dup, p.Leu19884fs (NM_003319.4); c.79140dup, p.Leu26381fs (NM_133378.4); c.60024dup, p.Leu20009fs (NM_133432.3); c.60225dup, p.Leu20076fs (NM_133437.4); short protein forms L20009fs, L27308fs, L28949fs, L19884fs, L26381fs, L20076fs.
Identifiers: ClinVar variation 4784578 (VCV004784578.1).

ClinVar aggregate classification (germline): Likely pathogenic (1 of 4 stars; one submission).

Conditions:
Dilated cardiomyopathy 1G (CMD1G). Identifiers: Orphanet 154, MedGen C1858763, MONDO:0011400, OMIM 604145.
Autosomal recessive limb-girdle muscular dystrophy type 2J (LGMDR10). Also called: Limb-girdle muscular dystrophy, type 2J; MUSCULAR DYSTROPHY, LIMB-GIRDLE, AUTOSOMAL RECESSIVE 10. Identifiers: Orphanet 140922, MedGen C1837342, MONDO:0012127, OMIM 608807.

Submission:

Labcorp Genetics (formerly Invitae), Labcorp
Classification: Likely pathogenic for Dilated cardiomyopathy 1G; Autosomal recessive limb-girdle muscular dystrophy type 2J. Last evaluated: 2025-03-30. Review status: criteria provided, single submitter. Criteria: Invitae Variant Classification Sherloc (09022015). Collection method: clinical testing. Allele origin: germline.
Comment: This sequence change creates a premature translational stop signal (p.Leu28949Thrfs*19) in the TTN gene. While this is not anticipated to result in nonsense mediated decay, it is expected to create a truncated TTN protein. This variant is not present in population databases (gnomAD no frequency). This variant has not been reported in the literature in individuals affected with TTN-related conditions. This variant is located in the A band of TTN (PMID: 25589632). Truncating variants in this region are significantly overrepresented in patients affected with dilated cardiomyopathy (PMID: 25589632). Truncating variants in this region have also been reported in individuals affected with autosomal recessive centronuclear myopathy (PMID: 23975875). In summary, the currently available evidence indicates that the variant is pathogenic, but additional data are needed to prove that conclusively. Therefore, this variant has been classified as Likely Pathogenic.

Literature cited by the submitters: PubMed 25589632; PubMed 23975875.